The following is an entry in ClinVar:

NM_001844.5(COL2A1):c.4099G>T (p.Ala1367Ser)

Gene: COL2A1 (collagen type II alpha 1 chain; minus strand). Cytogenetic location: 12q13.11.
Variant type: single nucleotide variant.
Coding change: c.4099G>T on transcript NM_001844.5 (MANE Select); coding-DNA position 4099, G replaced by T.
Protein change: p.Ala1367Ser; replaces alanine 1367 with serine.
Molecular consequence: missense variant.
Genome position (GRCh38, 1-based): chr12:47,974,307, C>A on the plus strand (G>T on the coding strand, the complement: COL2A1 is on the minus strand). VCF-style: chr12-47974307-C-A. GRCh37 (hg19) VCF-style: chr12-48368090-C-A.
Other names: c.3892G>T, p.Ala1298Ser (NM_033150.3); short protein forms A1298S, A1367S.
Identifiers: ClinVar variation 2853997 (VCV002853997.3), dbSNP rs762876704, ClinGen allele CA384533918.

ClinVar aggregate classification (germline): Uncertain significance (1 of 4 stars; one submission).

gnomAD v4.1: 1 of 1,614,054 alleles (0.000062%); highest among the groups gnomAD compares: Non-Finnish European, 0.000085%; no homozygotes.

Submission:

Labcorp Genetics (formerly Invitae), Labcorp
Classification: Uncertain significance. Last evaluated: 2023-06-13. Review status: criteria provided, single submitter. Criteria: Invitae Variant Classification Sherloc (09022015). Collection method: clinical testing. Allele origin: germline.
Comment: In summary, the available evidence is currently insufficient to determine the role of this variant in disease. Therefore, it has been classified as a Variant of Uncertain Significance. Algorithms developed to predict the effect of sequence changes on RNA splicing suggest that this variant may create or strengthen a splice site. Advanced modeling of protein sequence and biophysical properties (such as structural, functional, and spatial information, amino acid conservation, physicochemical variation, residue mobility, and thermodynamic stability) performed at Invitae indicates that this missense variant is not expected to disrupt COL2A1 protein function. This variant has not been reported in the literature in individuals affected with COL2A1-related conditions. This variant is not present in population databases (gnomAD no frequency). This sequence change replaces alanine, which is neutral and non-polar, with serine, which is neutral and polar, at codon 1367 of the COL2A1 protein (p.Ala1367Ser).